The following is an entry in ClinVar:

NM_001363118.2(SLC52A2):c.613G>A (p.Val205Ile)

Gene: SLC52A2 (solute carrier family 52 member 2; plus strand). Cytogenetic location: 8q24.3.
Variant type: single nucleotide variant.
Coding change: c.613G>A on transcript NM_001363118.2 (MANE Select); coding-DNA position 613, G replaced by A.
Protein change: p.Val205Ile; replaces valine 205 with isoleucine.
Molecular consequence: missense variant. On other transcripts: non-coding transcript variant (1), intron variant (1).
Genome position (GRCh38, 1-based): chr8:144,360,105, G>A. VCF-style: chr8-144360105-G-A. GRCh37 (hg19) VCF-style: chr8-145583765-G-A.
Other names: c.613G>A, p.Val205Ile (NM_001253815.2, NM_001253816.2, NM_001363120.2 and 2 more transcripts); c.131-10G>A (NM_001363122.2); c.613G>A (NM_001253816.1); short protein forms V205I.
Identifiers: ClinVar variation 1401592 (VCV001401592.7), dbSNP rs144883729, ClinGen allele CA4938240.

ClinVar aggregate classification (germline): Uncertain significance. Review status: criteria provided, multiple submitters, no conflicts (2 of 4 stars). 3 submissions from 3 submitters: Uncertain significance (3). Last evaluated 2026-08-31.

Conditions:
Inborn genetic diseases. Identifiers: MedGen C0950123, MeSH D030342.
Brown-Vialetto-van Laere syndrome 2. Also called: SPINOCEREBELLAR ATAXIA WITH BLINDNESS AND DEAFNESS 2; Riboflavin transporter deficiency type 2. Identifiers: Orphanet 572543, Orphanet 97229, MedGen C3553538, MONDO:0013867, OMIM 614707.
SLC52A2-related disorder. Also called: SLC52A2-related condition.

Allele frequency attached by ClinVar (database versions not stated): gnomAD exomes below 0.00001; gnomAD 0.00008 and 0.00006; TOPMed 0.00008; ESP Exome Variant Server 0.00015.

Submissions (3):

PreventionGenetics, part of Exact Sciences
Classification: Uncertain significance for SLC52A2-related condition. Last evaluated: 2026-08-31. Review status: criteria provided, single submitter. Criteria: ACMG Guidelines, 2015. Collection method: clinical testing. Allele origin: germline.
Comment: The SLC52A2 c.613G>A variant is predicted to result in the amino acid substitution p.Val205Ile. To our knowledge, this variant has not been reported in the literature. This variant is reported in 0.020% of alleles in individuals of African descent in gnomAD. At this time, the clinical significance of this variant is uncertain due to the absence of conclusive functional and genetic evidence.

Ambry Genetics
Classification: Uncertain significance for Inborn genetic diseases. Last evaluated: 2025-05-14. Review status: criteria provided, single submitter. Criteria: Ambry Variant Classification Scheme 2023. Collection method: clinical testing. Allele origin: germline.

Labcorp Genetics (formerly Invitae), Labcorp
Classification: Uncertain significance for Brown-Vialetto-van Laere syndrome 2. Last evaluated: 2022-01-02. Review status: criteria provided, single submitter. Criteria: Invitae Variant Classification Sherloc (09022015). Collection method: clinical testing. Allele origin: germline.
Comment: This sequence change replaces valine, which is neutral and non-polar, with isoleucine, which is neutral and non-polar, at codon 205 of the SLC52A2 protein (p.Val205Ile). This variant is present in population databases (rs144883729, gnomAD 0.02%). This variant has not been reported in the literature in individuals affected with SLC52A2-related conditions. Advanced modeling of protein sequence and biophysical properties (such as structural, functional, and spatial information, amino acid conservation, physicochemical variation, residue mobility, and thermodynamic stability) performed at Invitae indicates that this missense variant is not expected to disrupt SLC52A2 protein function. In summary, the available evidence is currently insufficient to determine the role of this variant in disease. Therefore, it has been classified as a Variant of Uncertain Significance.